The following is an entry in ClinVar:

NM_000352.6(ABCC8):c.822+20C>T

Gene: ABCC8 (ATP binding cassette subfamily C member 8; minus strand). Cytogenetic location: 11p15.1.
Variant type: single nucleotide variant.
Coding change: c.822+20C>T on transcript NM_000352.6 (MANE Select); 20 bases into the intron after coding-DNA position 822, C replaced by T.
Molecular consequence: intron variant.
Genome position (GRCh38, 1-based): chr11:17,461,563, G>A on the plus strand (C>T on the coding strand, the complement: ABCC8 is on the minus strand). VCF-style: chr11-17461563-G-A. GRCh37 (hg19) VCF-style: chr11-17483110-G-A.
Other names: c.819+23C>T (NM_001351297.2, NM_001351296.2); c.822+20C>T (NM_001351295.2, NM_001287174.3).
Identifiers: ClinVar variation 255934 (VCV000255934.12), dbSNP rs181998151, ClinGen allele CA5903768.

ClinVar aggregate classification (germline): Conflicting classifications of pathogenicity. Review status: criteria provided, conflicting classifications (1 of 4 stars). 7 submissions from 6 submitters: Uncertain significance (2); Benign (3); Likely benign (2). Last evaluated 2026-01-28.

Conditions:
Transitory neonatal diabetes mellitus. Also called: Transient neonatal diabetes mellitus. Identifiers: MedGen C0342273, MONDO:0020525, HP:0008255.
Maturity-onset diabetes of the young (MODY). Also called: Maturity onset diabetes mellitus in young. Identifiers: Orphanet 552, MedGen C0342276, MONDO:0018911, HP:0004904.

Allele frequency attached by ClinVar (database versions not stated): gnomAD exomes 0.00013 and 0.00036; ExAC 0.00040; gnomAD 0.00130 and 0.00136; TOPMed 0.00155; ESP Exome Variant Server 0.00162; 1000 Genomes Project 30x 0.00172; 1000 Genomes Project 0.00200.
gnomAD v4.1: 400 of 1,614,176 alleles (0.025%); highest among the groups gnomAD compares: African/African-American, 0.37%; 1 homozygote.

Submissions (7):

Labcorp Genetics (formerly Invitae), Labcorp
Classification: Benign. Last evaluated: 2026-01-28. Review status: criteria provided, single submitter. Criteria: Invitae Variant Classification Sherloc (09022015). Collection method: clinical testing. Allele origin: germline.

Women's Health and Genetics/Laboratory Corporation of America, LabCorp
Classification: Benign. Last evaluated: 2024-12-16. Review status: criteria provided, single submitter. Criteria: LabCorp Variant Classification Summary - May 2015. Collection method: clinical testing. Allele origin: germline.
Comment: Variant summary: ABCC8 c.822+20C>T alters a non-conserved nucleotide located at a position not widely known to affect splicing. Consensus agreement among computation tools predict no significant impact on normal splicing (TrAP). However, these predictions have yet to be confirmed by functional studies. The variant allele was found at a frequency of 0.00036 in 250548 control chromosomes, predominantly at a frequency of 0.0042 within the African or African-American subpopulation in the gnomAD database. The observed variant frequency within African or African-American control individuals in the gnomAD database is approximately 1.25 fold of the estimated maximal expected allele frequency for a pathogenic variant in ABCC8 causing Familial Hyperinsulinism phenotype (0.0034). c.822+20C>T has been reported in the literature in individuals affected with Familial Hyperinsulinism without strong evidence for causality (Snider_2013). These report(s) do not provide unequivocal conclusions about association of the variant with Familial Hyperinsulinism. To our knowledge, no experimental evidence demonstrating an impact on protein function has been reported. ClinVar contains an entry for this variant (Variation ID: 255934). Based on the evidence outlined above, the variant was classified as benign.

Blueprint Genetics
Classification: Likely benign. Last evaluated: 2024-11-22. Review status: criteria provided, single submitter. Criteria: ACMG Guidelines, 2015. Collection method: clinical testing. Allele origin: germline.

Athena Diagnostics
Classification: Likely benign. Last evaluated: 2017-02-28. Review status: criteria provided, single submitter. Criteria: Athena Diagnostics Criteria. Collection method: clinical testing. Allele origin: germline.

Clinical Genomics, Uppaluri K&H Personalized Medicine Clinic
Classification: Uncertain significance for Transitory neonatal diabetes mellitus. Review status: criteria provided, single submitter. Criteria: K & H Uppaluri Personalized Medicine Clinic Variant Classification & Assertion Criteria_Updated V.1. Collection method: research. Allele origin: unknown. Inheritance: Somatic mutation.
Comment: Mutations in ABCC8 gene are associated with both neonatal diabetes mellitus as well as MODY. Patients with this mutation may have a better response to sulfonylureas. However, no sufficient evidence is found to ascertain the role of this particular variant ( rs181998151) in neonatal diabetes yet.

Clinical Genomics, Uppaluri K&H Personalized Medicine Clinic
Classification: Uncertain significance for Maturity-onset diabetes of the young. Review status: criteria provided, single submitter. Criteria: K & H Uppaluri Personalized Medicine Clinic Variant Classification & Assertion Criteria_Updated V.1. Collection method: research. Allele origin: unknown. Inheritance: Somatic mutation.
Comment: Mutations in ABCC8 gene are associated with both neonatal diabetes mellitus as well as MODY. Patients with this mutation may have a better response to sulfonylureas. However, no sufficient evidence is found to ascertain the role of this particular variant ( rs181998151) in MODY yet.

PreventionGenetics, part of Exact Sciences
Classification: Benign. Review status: criteria provided, single submitter. Criteria: ACMG Guidelines, 2015. Collection method: clinical testing. Allele origin: germline.

Literature cited by the submitters: PubMed 23275527 (cited by Women's Health and Genetics/Laboratory Corporation of America, LabCorp); PubMed 16885549 (cited by Clinical Genomics, Uppaluri K&H Personalized Medicine Clinic); PubMed 21989597 (cited by Clinical Genomics, Uppaluri K&H Personalized Medicine Clinic); PubMed 27538677 (cited by Clinical Genomics, Uppaluri K&H Personalized Medicine Clinic); PubMed 18981553 (cited by Clinical Genomics, Uppaluri K&H Personalized Medicine Clinic); PubMed 32027066 (cited by Clinical Genomics, Uppaluri K&H Personalized Medicine Clinic); PubMed 16613899 (cited by Clinical Genomics, Uppaluri K&H Personalized Medicine Clinic); PubMed 18025408 (cited by Clinical Genomics, Uppaluri K&H Personalized Medicine Clinic); PubMed 32792356 (cited by Clinical Genomics, Uppaluri K&H Personalized Medicine Clinic).